The following is an entry in ClinVar:

NCBI36/hg18 Yq12(chrY:57486859-57759038)x3

Variant type: copy number gain.
Identifiers: ClinVar variation 400444 (VCV000400444.2).

ClinVar aggregate classification (germline): conflicting data from submitters (0 of 4 stars; one submission).

Submission:

ISCA site 19
Classification: conflicting data from submitters. Review status: no assertion criteria provided. Collection method: clinical testing. Allele origin: unknown. Affected: yes. Observed: 2 variant alleles.
Comment: Pathogenic(1), Uncertain significance(1)

Copy number variation identified through the course of routine clinical cytogenomic testing in postnatal populations, with clinical assertions as classified by the original submitter. For data from the original published study, Kaminsky, et al. 2011 (PubMed 21844811), please see nstd101.